The following is an entry in ClinVar:

NM_182961.4(SYNE1):c.9562T>G (p.Trp3188Gly)

Gene: SYNE1 (spectrin repeat containing nuclear envelope protein 1; minus strand). Cytogenetic location: 6q25.2.
Variant type: single nucleotide variant.
Coding change: c.9562T>G on transcript NM_182961.4 (MANE Select); coding-DNA position 9562, T replaced by G.
Protein change: p.Trp3188Gly; replaces tryptophan 3188 with glycine.
Molecular consequence: missense variant.
Genome position (GRCh38, 1-based): chr6:152,369,560, A>C on the plus strand (T>G on the coding strand, the complement: SYNE1 is on the minus strand). VCF-style: chr6-152369560-A-C. GRCh37 (hg19) VCF-style: chr6-152690695-A-C.
Other names: c.9583T>G, p.Trp3195Gly (NM_033071.5); short protein forms W3188G, W3195G.
Identifiers: ClinVar variation 1695670 (VCV001695670.10), dbSNP rs2154085788, ClinGen allele CA366138469.
Genomic context (GRCh38, chr6:152,369,560, plus strand): 5'-CTGGCAGATCATAGAGGCGATTGCTGCTTTCATGGACCATCTTCTCAGTTTTACTCAGCC[A>C]GTCCTGGATAGGCTCAGCACTTACTTCAAAGTCCTTCATTTGGATCTTTAGATTCTGCAA-3'
Protein context (NP_892006.3, residues 3178-3198): FEVSAEPIQD[Trp3188Gly]LSKTEKMVHE

ClinVar aggregate classification (germline): Uncertain significance. Review status: criteria provided, multiple submitters, no conflicts (2 of 4 stars). 2 submissions from 2 submitters: Uncertain significance (2). Last evaluated 2025-06-01.

gnomAD v4.1: 4 of 1,614,214 alleles (0.00025%); highest among the groups gnomAD compares: Non-Finnish European, 0.00034%; no homozygotes.

Submissions (2):

CeGaT Center for Human Genetics Tuebingen
Classification: Uncertain significance. Last evaluated: 2025-06-01. Review status: criteria provided, single submitter. Criteria: CeGaT Center For Human Genetics Tuebingen Variant Classification Criteria Version 2. Collection method: clinical testing. Allele origin: germline. Affected: yes. Observed: 1 variant allele.
Comment: SYNE1: PM2

GeneDx
Classification: Uncertain significance. Last evaluated: 2022-01-05. Review status: criteria provided, single submitter. Criteria: GeneDx Variant Classification Process June 2021. Collection method: clinical testing. Allele origin: germline. Affected: yes.
Comment: Not observed at significant frequency in large population cohorts (gnomAD); In silico analysis supports that this missense variant has a deleterious effect on protein structure/function; Has not been previously published as pathogenic or benign to our knowledge